The following is an entry in ClinVar:

ClinVar aggregate classification (germline): Conflicting classifications of pathogenicity. Review status: criteria provided, conflicting classifications (1 of 4 stars). 4 submissions from 4 submitters: Uncertain significance (1); Benign (1); Likely benign (2). Last evaluated 2025-10-02.

Conditions:
Atypical hemolytic-uremic syndrome. Identifiers: Orphanet 2134, MedGen C2931788, MONDO:0016244.

Allele frequency attached by ClinVar (database versions not stated): TOPMed 0.00002; gnomAD 0.00012; 1000 Genomes Project 30x 0.00016; 1000 Genomes Project 0.00020; gnomAD exomes 0.00042; ExAC 0.00045.
gnomAD v4.1: 302 of 1,614,056 alleles (0.019%); highest among the groups gnomAD compares: South Asian, 0.31%; 5 homozygotes.

Submissions (4):

Genomenon, Inc
Classification: Likely benign for Atypical hemolytic-uremic syndrome. Last evaluated: 2025-10-02. Review status: criteria provided, single submitter. Criteria: Genomenon Sequence Variant Interpretation Standards. Collection method: curation. Allele origin: germline. Affected: yes.
Comment: CD46 p.Met44Leu (c.130A>C) is a missense variant that changes the amino acid at residue 44 from Methionine to Leucine. This variant has been observed in at least one proband affected with atypical hemolytic-uremic syndrome (PMID:28596415). This variant’s allele frequency in gnomAD is greater than expected for this disorder. In conclusion, we classify CD46 p.Met44Leu (c.130A>C) as a likely benign variant.

Labcorp Genetics (formerly Invitae), Labcorp
Classification: Benign. Last evaluated: 2025-07-28. Review status: criteria provided, single submitter. Criteria: Invitae Variant Classification Sherloc (09022015). Collection method: clinical testing. Allele origin: germline.

Blueprint Genetics
Classification: Likely benign. Last evaluated: 2024-09-20. Review status: criteria provided, single submitter. Criteria: ACMG Guidelines, 2015. Collection method: clinical testing. Allele origin: germline.

Department of Pathology and Laboratory Medicine, Sinai Health System
Classification: Uncertain significance for atypical hemolytic-uremic syndrome. Last evaluated: 2020-05-08. Review status: criteria provided, single submitter. Criteria: ACMG Guidelines, 2015. Collection method: research. Allele origin: germline.

Literature cited by the submitters: PubMed 28596415 (cited by Genomenon, Inc).

NM_172351.3(CD46):c.130A>C (p.Met44Leu)

Gene: CD46 (CD46 molecule; plus strand). Cytogenetic location: 1q32.2.
Variant type: single nucleotide variant.
Coding change: c.130A>C on transcript NM_172351.3 (MANE Select); coding-DNA position 130, A replaced by C.
Protein change: p.Met44Leu; replaces methionine 44 with leucine.
Molecular consequence: missense variant.
Genome position (GRCh38, 1-based): chr1:207,757,046, A>C. VCF-style: chr1-207757046-A-C. GRCh37 (hg19) VCF-style: chr1-207930391-A-C.
Other names: c.130A>C, p.Met44Leu (NM_002389.4, NM_153826.4, NM_172350.3 and 8 more transcripts); short protein forms M44L.
Identifiers: ClinVar variation 1647199 (VCV001647199.11), dbSNP rs564910868, ClinGen allele CA1371546.